The following is an entry in ClinVar:

NM_006662.3(SRCAP):c.5575A>G (p.Ser1859Gly)

Gene: SRCAP (Snf2 related CREBBP activator protein; plus strand). Cytogenetic location: 16p11.2.
Variant type: single nucleotide variant.
Coding change: c.5575A>G on transcript NM_006662.3 (MANE Select); coding-DNA position 5575, A replaced by G.
Protein change: p.Ser1859Gly; replaces serine 1859 with glycine.
Molecular consequence: missense variant.
Genome position (GRCh38, 1-based): chr16:30,724,999, A>G. VCF-style: chr16-30724999-A-G. GRCh37 (hg19) VCF-style: chr16-30736320-A-G.
Other names: short protein forms S1859G.
Identifiers: ClinVar variation 3343542 (VCV003343542.1).

ClinVar aggregate classification (germline): Uncertain significance (1 of 4 stars; one submission).

Submission:

GeneDx
Classification: Uncertain significance. Last evaluated: 2023-05-17. Review status: criteria provided, single submitter. Criteria: GeneDx Variant Classification Process June 2021. Collection method: clinical testing. Allele origin: germline. Affected: yes.
Comment: Has not been previously published as pathogenic or benign to our knowledge; Not observed at significant frequency in large population cohorts (gnomAD); In silico analysis supports that this missense variant does not alter protein structure/function